The following is an entry in ClinVar:

ClinVar aggregate classification (germline): Uncertain significance (1 of 4 stars; one submission).

Conditions:
Baller-Gerold syndrome (BGS). Also called: CRANIOSYNOSTOSIS WITH RADIAL DEFECTS. Identifiers: Orphanet 1225, MedGen C0265308, MONDO:0009039, OMIM 218600.

gnomAD v4.1: 11 of 1,414,122 alleles (0.00078%); highest among the groups gnomAD compares: Non-Finnish European, 0.00092%; no homozygotes.

Submission:

Labcorp Genetics (formerly Invitae), Labcorp
Classification: Uncertain significance for Baller-Gerold syndrome. Last evaluated: 2025-10-29. Review status: criteria provided, single submitter. Criteria: Invitae Variant Classification Sherloc (09022015). Collection method: clinical testing. Allele origin: germline.
Comment: This sequence change falls in intron 1 of the RECQL4 gene. It does not directly change the encoded amino acid sequence of the RECQL4 protein. It affects a nucleotide within the consensus splice site. This variant is not present in population databases (gnomAD no frequency). This variant has not been reported in the literature in individuals affected with RECQL4-related conditions. ClinVar contains an entry for this variant (Variation ID: 406937). Variants that disrupt the consensus splice site are a relatively common cause of aberrant splicing (PMID: 17576681, 9536098). Algorithms developed to predict the effect of sequence changes on RNA splicing suggest that this variant may disrupt the consensus splice site. In summary, the available evidence is currently insufficient to determine the role of this variant in disease. Therefore, it has been classified as a Variant of Uncertain Significance.

Literature cited by the submitters: PubMed 17576681; PubMed 9536098.

NM_004260.4(RECQL4):c.84+5G>C

Genes: RECQL4 (RecQ like helicase 4; minus strand), LOC130001411 (ATAC-STARR-seq lymphoblastoid silent region 19699; plus strand). Cytogenetic location: 8q24.3.
Variant type: single nucleotide variant.
Coding change: c.84+5G>C on transcript NM_004260.4 (MANE Select); 5 bases into the intron after coding-DNA position 84, G replaced by C.
Molecular consequence: intron variant.
Genome position (GRCh38, 1-based): chr8:144,517,696, C>G on the plus strand (G>C on the coding strand, the complement: RECQL4 is on the minus strand). VCF-style: chr8-144517696-C-G. GRCh37 (hg19) VCF-style: chr8-145743080-C-G.
Identifiers: ClinVar variation 406937 (VCV000406937.10), dbSNP rs1060501367, ClinGen allele CA16612303.